The following is an entry in ClinVar:

NM_000156.6(GAMT):c.595G>A (p.Glu199Lys)

Gene: GAMT (guanidinoacetate N-methyltransferase; minus strand). Cytogenetic location: 19p13.3.
Variant type: single nucleotide variant.
Coding change: c.595G>A on transcript NM_000156.6 (MANE Select); coding-DNA position 595, G replaced by A.
Protein change: p.Glu199Lys; replaces glutamic acid 199 with lysine.
Molecular consequence: missense variant.
Genome position (GRCh38, 1-based): chr19:1,397,475, C>T on the plus strand (G>A on the coding strand, the complement: GAMT is on the minus strand). VCF-style: chr19-1397475-C-T. GRCh37 (hg19) VCF-style: chr19-1397474-C-T.
Other names: short protein forms E199K.
Identifiers: ClinVar variation 2107090 (VCV002107090.4), dbSNP rs2144633642, ClinGen allele CA402990961.
Genomic context (GRCh38, chr19:1,397,475, plus strand): 5'-CGGCCGGTGGGACCAGCGCCATCACCTCCGTACGGATGTTCTCCCTCCGGAAGCCGGCCT[C>T]CAGCAGCGCGGGCACCTGCGTCTCCTGGTCGGGGATGGCACCAGGTCACCTCTGAGGGCC-3'
Protein context (NP_000147.1, residues 189-209): FEETQVPALL[Glu199Lys]AGFRRENIRT

ClinVar aggregate classification (germline): Uncertain significance (1 of 4 stars; one submission).

Conditions:
Cerebral creatine deficiency syndrome. Also called: Creatine deficiency syndromes. Identifiers: Orphanet 79172, MedGen C5244016, MONDO:0000456.

Submission:

Labcorp Genetics (formerly Invitae), Labcorp
Classification: Uncertain significance for Cerebral creatine deficiency syndrome. Last evaluated: 2022-03-05. Review status: criteria provided, single submitter. Criteria: Invitae Variant Classification Sherloc (09022015). Collection method: clinical testing. Allele origin: germline.
Comment: In summary, the available evidence is currently insufficient to determine the role of this variant in disease. Therefore, it has been classified as a Variant of Uncertain Significance. Algorithms developed to predict the effect of missense changes on protein structure and function (SIFT, PolyPhen-2, Align-GVGD) all suggest that this variant is likely to be tolerated. This variant has not been reported in the literature in individuals affected with GAMT-related conditions. This variant is not present in population databases (gnomAD no frequency). This sequence change replaces glutamic acid, which is acidic and polar, with lysine, which is basic and polar, at codon 199 of the GAMT protein (p.Glu199Lys).